The following is an entry in ClinVar:

ClinVar aggregate classification (germline): Uncertain significance (1 of 4 stars; one submission).

Submission:

GeneDx
Classification: Uncertain significance. Last evaluated: 2025-05-12. Review status: criteria provided, single submitter. Criteria: GeneDx Variant Classification Process June 2021. Collection method: clinical testing. Allele origin: germline. Affected: yes.
Comment: Not observed at significant frequency in large population cohorts (gnomAD); In silico analysis supports that this missense variant has a deleterious effect on protein structure/function; Has not been previously published as pathogenic or benign to our knowledge

NM_005802.5(TOPORS):c.695G>T (p.Arg232Ile)

Gene: TOPORS (TOP1 binding arginine/serine rich protein, E3 ubiquitin ligase; minus strand). Cytogenetic location: 9p21.1.
Variant type: single nucleotide variant.
Coding change: c.695G>T on transcript NM_005802.5 (MANE Select); coding-DNA position 695, G replaced by T.
Protein change: p.Arg232Ile; replaces arginine 232 with isoleucine.
Molecular consequence: missense variant.
Genome position (GRCh38, 1-based): chr9:32,543,830, C>A on the plus strand (G>T on the coding strand, the complement: TOPORS is on the minus strand). VCF-style: chr9-32543830-C-A. GRCh37 (hg19) VCF-style: chr9-32543828-C-A.
Other names: c.500G>T, p.Arg167Ile (NM_001195622.2); short protein forms R167I, R232I.
Identifiers: ClinVar variation 4529943 (VCV004529943.1).